The following is an entry in ClinVar:

ClinVar aggregate classification (germline): Benign/Likely benign. Review status: criteria provided, multiple submitters, no conflicts (2 of 4 stars). 5 submissions from 5 submitters: Benign (1); Likely benign (4). Last evaluated 2026-01-13.

Allele frequency attached by ClinVar (database versions not stated): ExAC 0.00076; gnomAD exomes 0.00079; gnomAD 0.00180 and 0.00185; ESP Exome Variant Server 0.00193; TOPMed 0.00203; 1000 Genomes Project 30x 0.00281; 1000 Genomes Project 0.00300.

Submissions (5):

Labcorp Genetics (formerly Invitae), Labcorp
Classification: Benign. Last evaluated: 2026-01-13. Review status: criteria provided, single submitter. Criteria: Invitae Variant Classification Sherloc (09022015). Collection method: clinical testing. Allele origin: germline.

Blueprint Genetics
Classification: Likely benign. Last evaluated: 2024-11-12. Review status: criteria provided, single submitter. Criteria: ACMG Guidelines, 2015. Collection method: clinical testing. Allele origin: germline.

ARUP Laboratories, Molecular Genetics and Genomics, ARUP Laboratories
Classification: Likely benign. Last evaluated: 2023-11-06. Review status: criteria provided, single submitter. Criteria: ARUP Molecular Germline Variant Investigation Process 2024. Collection method: clinical testing. Allele origin: germline.

Women's Health and Genetics/Laboratory Corporation of America, LabCorp
Classification: Likely benign. Last evaluated: 2023-10-03. Review status: criteria provided, single submitter. Criteria: LabCorp Variant Classification Summary - May 2015. Collection method: clinical testing. Allele origin: germline.
Comment: Variant summary: SERPINH1 c.722-13G>A alters a non-conserved nucleotide located at a position not widely known to affect splicing. Consensus agreement among computation tools predict no significant impact on normal splicing. However, these predictions have yet to be confirmed by functional studies. The variant allele was found at a frequency of 0.00079 in 251046 control chromosomes, predominantly at a frequency of 0.0057 within the African or African-American subpopulation in the gnomAD database. To our knowledge, no occurrence of c.722-13G>A in individuals affected with Osteogenesis Imperfecta Type 10 and no experimental evidence demonstrating its impact on protein function have been reported. Two submitters have cited clinical-significance assessments for this variant to ClinVar after 2014. Both submitters classified the variant as benign/likely benign. Based on the evidence outlined above, the variant was classified as likely benign.

GeneDx
Classification: Likely benign. Last evaluated: 2020-09-11. Review status: criteria provided, single submitter. Criteria: GeneDx Variant Classification Process June 2021. Collection method: clinical testing. Allele origin: germline. Affected: yes.

NM_001235.5(SERPINH1):c.722-13G>A

Gene: SERPINH1 (serpin family H member 1; plus strand). Cytogenetic location: 11q13.5.
Variant type: single nucleotide variant.
Coding change: c.722-13G>A on transcript NM_001235.5 (MANE Select); 13 bases into the intron before coding-DNA position 722, G replaced by A.
Molecular consequence: intron variant.
Genome position (GRCh38, 1-based): chr11:75,568,926, G>A. VCF-style: chr11-75568926-G-A. GRCh37 (hg19) VCF-style: chr11-75279971-G-A.
Other names: c.722-13G>A (NM_001207014.3).
Identifiers: ClinVar variation 1201377 (VCV001201377.14), dbSNP rs116506210, ClinGen allele CA6190908.